The following is an entry in ClinVar:

ClinVar aggregate classification (germline): Uncertain significance. Review status: criteria provided, multiple submitters, no conflicts (2 of 4 stars). 2 submissions from 2 submitters: Uncertain significance (2). Last evaluated 2023-07-17.

Conditions:
Hereditary cancer-predisposing syndrome. Also called: Tumor predisposition; Hereditary Cancer Syndrome; Hereditary neoplastic syndrome; Neoplastic Syndromes, Hereditary. Identifiers: Orphanet 140162, MedGen C0027672, MeSH D009386, MONDO:0015356.

gnomAD v4.1: 5 of 1,614,206 alleles (0.00031%); highest among the groups gnomAD compares: Middle Eastern, 0.033%; no homozygotes.

Submissions (2):

Labcorp Genetics (formerly Invitae), Labcorp
Classification: Uncertain significance for Hereditary cancer-predisposing syndrome. Last evaluated: 2023-07-17. Review status: criteria provided, single submitter. Criteria: Invitae Variant Classification Sherloc (09022015). Collection method: clinical testing. Allele origin: germline.
Comment: This sequence change replaces valine, which is neutral and non-polar, with leucine, which is neutral and non-polar, at codon 35 of the RAD50 protein (p.Val35Leu). This variant is not present in population databases (gnomAD no frequency). This variant has not been reported in the literature in individuals affected with RAD50-related conditions. ClinVar contains an entry for this variant (Variation ID: 486260). Advanced modeling of protein sequence and biophysical properties (such as structural, functional, and spatial information, amino acid conservation, physicochemical variation, residue mobility, and thermodynamic stability) performed at Invitae indicates that this missense variant is not expected to disrupt RAD50 protein function. In summary, the available evidence is currently insufficient to determine the role of this variant in disease. Therefore, it has been classified as a Variant of Uncertain Significance.

Ambry Genetics
Classification: Uncertain significance for Hereditary cancer-predisposing syndrome. Last evaluated: 2023-04-27. Review status: criteria provided, single submitter. Criteria: Ambry Variant Classification Scheme 2023. Collection method: clinical testing. Allele origin: germline.
Comment: The c.103G>C (p.V35L) alteration is located in coding exon 1 of the RAD50 gene. This alteration results from a G to C substitution at nucleotide position 103, causing the valine (V) at amino acid position 35 to be replaced by a leucine (L). This variant was not reported in population-based cohorts in the Genome Aggregation Database (gnomAD). This alteration was seen in 0/732 breast cancer patients, 1/189 colorectal cancer patients and 0/490 cancer-free elderly controls in a Turkish population (Akcay, 2021). This amino acid position is highly conserved in available vertebrate species. The in silico prediction for this alteration is inconclusive. Based on insufficient or conflicting evidence, the clinical significance of this alteration remains unclear.

Literature cited by the submitters: PubMed 32658311 (cited by Ambry Genetics).

NM_005732.4(RAD50):c.103G>C (p.Val35Leu)

Gene: RAD50 (RAD50 double strand break repair protein; plus strand). Cytogenetic location: 5q31.1.
Variant type: single nucleotide variant.
Coding change: c.103G>C on transcript NM_005732.4 (MANE Select); coding-DNA position 103, G replaced by C.
Protein change: p.Val35Leu; replaces valine 35 with leucine.
Molecular consequence: missense variant.
Genome position (GRCh38, 1-based): chr5:132,557,427, G>C. VCF-style: chr5-132557427-G-C. GRCh37 (hg19) VCF-style: chr5-131893119-G-C.
Other names: short protein forms V35L.
Identifiers: ClinVar variation 486260 (VCV000486260.17), dbSNP rs1554096654, ClinGen allele CA360951678.